The following is an entry in ClinVar:

ClinVar aggregate classification (germline): Likely benign. Review status: criteria provided, multiple submitters, no conflicts (2 of 4 stars). 4 submissions from 4 submitters: Likely benign (4). Last evaluated 2026-01-27.

Conditions:
OTOF-related disorder. Also called: OTOF-related condition.

Allele frequency attached by ClinVar (database versions not stated): ExAC 0.00008; gnomAD exomes 0.00010; ESP Exome Variant Server 0.00031; gnomAD 0.00042 and 0.00044; TOPMed 0.00057.
gnomAD v4.1: 123 of 1,614,116 alleles (0.0076%); highest among the groups gnomAD compares: African/African-American, 0.13%; 1 homozygote.

Submissions (4):

Labcorp Genetics (formerly Invitae), Labcorp
Classification: Likely benign. Last evaluated: 2026-01-27. Review status: criteria provided, single submitter. Criteria: Invitae Variant Classification Sherloc (09022015). Collection method: clinical testing. Allele origin: germline.

PreventionGenetics, part of Exact Sciences
Classification: Likely benign for OTOF-related condition. Last evaluated: 2024-12-06. Review status: criteria provided, single submitter. Criteria: ACMG Guidelines, 2015. Collection method: clinical testing. Allele origin: germline.
Comment: This variant is classified as likely benign based on ACMG/AMP sequence variant interpretation guidelines (Richards et al. 2015 PMID: 25741868, with internal and published modifications).

Blueprint Genetics
Classification: Likely benign. Last evaluated: 2023-04-26. Review status: criteria provided, single submitter. Criteria: ACMG Guidelines, 2015. Collection method: clinical testing. Allele origin: germline.

Laboratory for Molecular Medicine, Mass General Brigham Personalized Medicine
Classification: Likely benign. Last evaluated: 2015-07-21. Review status: criteria provided, single submitter. Criteria: LMM Criteria. Collection method: clinical testing. Allele origin: germline. Observed: 1 variant allele.
Comment: p.Asn298Asn in exon 9 of OTOF: This variant is not expected to have clinical sig nificance because it does not alter an amino acid residue and it is not located within the splice consensus sequence. It has been identified in 9/10406 of Afri can chromosomes by the Exome Aggregation Consortium (ExAC; dbSNP rs112794890).

NM_194248.3(OTOF):c.894C>T (p.Asn298=)

Gene: OTOF (otoferlin; minus strand). Cytogenetic location: 2p23.3.
Variant type: single nucleotide variant.
Coding change: c.894C>T on transcript NM_194248.3 (MANE Select); coding-DNA position 894, C replaced by T.
Protein change: p.Asn298=; no amino-acid change (asparagine 298 retained).
Molecular consequence: synonymous variant.
Genome position (GRCh38, 1-based): chr2:26,494,945, G>A on the plus strand (C>T on the coding strand, the complement: OTOF is on the minus strand). VCF-style: chr2-26494945-G-A. GRCh37 (hg19) VCF-style: chr2-26717813-G-A.
Other names: c.894C>T, p.Asn298= (NM_001287489.2).
Identifiers: ClinVar variation 227758 (VCV000227758.11), dbSNP rs112794890, ClinGen allele CA1564473.